The following is an entry in ClinVar:

ClinVar aggregate classification (germline): Uncertain significance (1 of 4 stars; one submission).

Allele frequency attached by ClinVar (database versions not stated): gnomAD exomes below 0.00001; ExAC 0.00001; TOPMed 0.00001.

Submission:

Labcorp Genetics (formerly Invitae), Labcorp
Classification: Uncertain significance. Last evaluated: 2021-04-24. Review status: criteria provided, single submitter. Criteria: Invitae Variant Classification Sherloc (09022015). Collection method: clinical testing. Allele origin: germline.
Comment: This sequence change replaces serine with cysteine at codon 314 of the RORA protein (p.Ser314Cys). The serine residue is highly conserved and there is a moderate physicochemical difference between serine and cysteine. This variant is present in population databases (rs767105674, ExAC 0.01%). This variant has not been reported in the literature in individuals with RORA-related conditions. Algorithms developed to predict the effect of missense changes on protein structure and function (SIFT, PolyPhen-2, Align-GVGD) all suggest that this variant is likely to be tolerated, but these predictions have not been confirmed by published functional studies and their clinical significance is uncertain. In summary, the available evidence is currently insufficient to determine the role of this variant in disease. Therefore, it has been classified as a Variant of Uncertain Significance.

NM_134261.3(RORA):c.842C>G (p.Ser281Cys)

Genes: RORA (RAR related orphan receptor A; minus strand), RORA-AS1 (RORA antisense RNA 1; plus strand). Cytogenetic location: 15q22.2.
Variant type: single nucleotide variant.
Coding change: c.842C>G on transcript NM_134261.3 (MANE Select); coding-DNA position 842, C replaced by G.
Protein change: p.Ser281Cys; replaces serine 281 with cysteine.
Molecular consequence: missense variant.
Genome position (GRCh38, 1-based): chr15:60,505,608, G>C on the plus strand (C>G on the coding strand, the complement: RORA is on the minus strand). VCF-style: chr15-60505608-G-C. GRCh37 (hg19) VCF-style: chr15-60797807-G-C.
Other names: c.917C>G, p.Ser306Cys (NM_002943.4); c.941C>G, p.Ser314Cys (NM_134260.3); c.677C>G, p.Ser226Cys (NM_134262.3); short protein forms S314C, S306C, S281C, S226C.
Identifiers: ClinVar variation 1348546 (VCV001348546.6), dbSNP rs767105674, ClinGen allele CA7593628.